The following is an entry in ClinVar:

NM_001457.4(FLNB):c.7373G>A (p.Gly2458Glu)

Genes: FLNB (filamin B; plus strand), FLNB-AS1 (FLNB antisense RNA 1; minus strand). Cytogenetic location: 3p14.3.
Variant type: single nucleotide variant.
Coding change: c.7373G>A on transcript NM_001457.4 (MANE Select); coding-DNA position 7373, G replaced by A.
Protein change: p.Gly2458Glu; replaces glycine 2458 with glutamic acid.
Molecular consequence: missense variant.
Genome position (GRCh38, 1-based): chr3:58,168,614, G>A. VCF-style: chr3-58168614-G-A. GRCh37 (hg19) VCF-style: chr3-58154341-G-A.
Other names: c.7466G>A, p.Gly2489Glu (NM_001164317.2); c.7340G>A, p.Gly2447Glu (NM_001164318.2); c.7301G>A, p.Gly2434Glu (NM_001164319.2); short protein forms G2434E, G2458E, G2447E, G2489E.
Identifiers: ClinVar variation 1041052 (VCV001041052.5), dbSNP rs2097375065, ClinGen allele CA353334972.

ClinVar aggregate classification (germline): Uncertain significance (1 of 4 stars; one submission).

Submission:

Labcorp Genetics (formerly Invitae), Labcorp
Classification: Uncertain significance. Last evaluated: 2020-04-01. Review status: criteria provided, single submitter. Criteria: Invitae Variant Classification Sherloc (09022015). Collection method: clinical testing. Allele origin: germline.
Comment: In summary, the available evidence is currently insufficient to determine the role of this variant in disease. Therefore, it has been classified as a Variant of Uncertain Significance. Algorithms developed to predict the effect of sequence changes on RNA splicing suggest that this variant may create or strengthen a splice site, but this prediction has not been confirmed by published transcriptional studies. Algorithms developed to predict the effect of missense changes on protein structure and function (SIFT, PolyPhen-2, Align-GVGD) all suggest that this variant is likely to be disruptive, but these predictions have not been confirmed by published functional studies and their clinical significance is uncertain. This variant has not been reported in the literature in individuals with FLNB-related conditions. This variant is not present in population databases (ExAC no frequency). This sequence change replaces glycine with glutamic acid at codon 2458 of the FLNB protein (p.Gly2458Glu). The glycine residue is highly conserved and there is a moderate physicochemical difference between glycine and glutamic acid.